The following is an entry in ClinVar:

ClinVar aggregate classification (germline): Pathogenic (1 of 4 stars; one submission).

Submission:

Labcorp Genetics (formerly Invitae), Labcorp
Classification: Pathogenic. Last evaluated: 2024-02-17. Review status: criteria provided, single submitter. Criteria: Invitae Variant Classification Sherloc (09022015). Collection method: clinical testing. Allele origin: germline.
Comment: This sequence change creates a premature translational stop signal (p.Leu130Serfs*65) in the GATA3 gene. It is expected to result in an absent or disrupted protein product. Loss-of-function variants in GATA3 are known to be pathogenic (PMID: 14985365, 21242646). This variant is not present in population databases (gnomAD no frequency). This variant has not been reported in the literature in individuals affected with GATA3-related conditions. For these reasons, this variant has been classified as Pathogenic.

Literature cited by the submitters: PubMed 14985365; PubMed 21242646.

NM_001002295.2(GATA3):c.384del (p.Leu130fs)

Gene: GATA3 (GATA binding protein 3; plus strand). Cytogenetic location: 10p14.
Variant type: Deletion.
Coding change: c.384del on transcript NM_001002295.2 (MANE Select); coding-DNA position 384, one base deleted (G; older notation c.384delG).
Protein change: p.Leu130fs; shifts the reading frame from leucine 130.
Molecular consequence: frameshift variant.
Genome position (GRCh38, 1-based): chr10:8,058,447, G deleted; the last of 4 consecutive G bases (chr10:8,058,444-8,058,447); deleting any one gives the same sequence. VCF-style (leftmost placement, unchanged base first): chr10-8058443-CG-C. GRCh37 (hg19) VCF-style: chr10-8100406-CG-C.
Other names: c.384del, p.Leu130fs (NM_002051.3); short protein forms L130fs.
Identifiers: ClinVar variation 2706851 (VCV002706851.3), dbSNP rs2491461227, ClinGen allele CA2608206967.